The following is an entry in ClinVar:

NM_183357.3(ADCY5):c.3534G>A (p.Gly1178=)

Gene: ADCY5 (adenylate cyclase 5; minus strand). Cytogenetic location: 3q21.1.
Variant type: single nucleotide variant.
Coding change: c.3534G>A on transcript NM_183357.3 (MANE Select); coding-DNA position 3534, G replaced by A.
Protein change: p.Gly1178=; no amino-acid change (glycine 1178 retained).
Molecular consequence: synonymous variant.
Genome position (GRCh38, 1-based): chr3:123,286,808, C>T on the plus strand (G>A on the coding strand, the complement: ADCY5 is on the minus strand). VCF-style: chr3-123286808-C-T. GRCh37 (hg19) VCF-style: chr3-123005655-C-T.
Other names: c.2484G>A, p.Gly828= (NM_001199642.1); c.3609G>A, p.Gly1203= (NM_001378259.1).
Identifiers: ClinVar variation 3251261 (VCV003251261.1), dbSNP rs2472605922.
Genomic context (GRCh38, chr3:123,286,808, plus strand): 5'-GATGTCGTACTGAGGCTTTCGTGCCCCTATCACCCCGGCCACCACGGGGCCGATGTTGAG[C>T]CCTGCAGGGGACAGGAATCAGCCACAGTCATCACATCTCTGGCTTGACCTTGCCACCATC-3'
Protein context (NP_899200.1, residues 1168-1188): HSFNNFQMKI[Gly1178=]LNIGPVVAGV

ClinVar aggregate classification (germline): Uncertain significance (1 of 4 stars; one submission).

Submission:

Women's Health and Genetics/Laboratory Corporation of America, LabCorp
Classification: Uncertain significance. Last evaluated: 2024-04-16. Review status: criteria provided, single submitter. Criteria: LabCorp Variant Classification Summary - May 2015. Collection method: clinical testing. Allele origin: germline.
Comment: Variant summary: ADCY5 c.3534G>A (p.Gly1178Gly) alters a non-conserved nucleotide located close to a canonical splice site and therefore could affect mRNA splicing, leading to a significantly altered protein sequence. Consensus agreement among computation tools predict no significant impact on normal splicing. However, these predictions have yet to be confirmed by functional studies. The frequency data for this variant in gnomAD is considered unreliable, as metrics indicate poor data quality at this position. To our knowledge, no occurrence of c.3534G>A in individuals affected with Familial Dyskinesia With Facial Myokymia and no experimental evidence demonstrating its impact on protein function have been reported. No submitters have cited clinical-significance assessments for this variant to ClinVar. Based on the evidence outlined above, the variant was classified as uncertain significance.